The following is an entry in ClinVar:

NM_003907.3(EIF2B5):c.1208C>T (p.Ala403Val)

Gene: EIF2B5 (eukaryotic translation initiation factor 2B subunit epsilon; plus strand). Cytogenetic location: 3q27.1.
Variant type: single nucleotide variant.
Coding change: c.1208C>T on transcript NM_003907.3 (MANE Select); coding-DNA position 1208, C replaced by T.
Protein change: p.Ala403Val; replaces alanine 403 with valine.
Molecular consequence: missense variant.
Genome position (GRCh38, 1-based): chr3:184,141,976, C>T. VCF-style: chr3-184141976-C-T. GRCh37 (hg19) VCF-style: chr3-183859764-C-T.
Other names: c.1208C>T (NM_003907.2); short protein forms A403V.
Identifiers: ClinVar variation 872660 (VCV000872660.56), dbSNP rs545593935, ClinGen allele CA2726621.

ClinVar aggregate classification (germline): Pathogenic/Likely pathogenic. Review status: criteria provided, multiple submitters, no conflicts (2 of 4 stars). 7 submissions from 7 submitters: Pathogenic (3); Likely pathogenic (4). Last evaluated 2026-01-23.

Conditions:
Leukoencephalopathy with vanishing white matter 5 (VWM5). Also called: EIF2B5-Related Childhood Ataxia with Central Nervous System Hypomyelination/Vanishing White Matter; Leukoencephalopathy with vanishing white matter 5, with or without ovarian failure. Identifiers: MedGen C5779973, MONDO:0957873, OMIM 620315.
Vanishing white matter disease. Also called: Childhood ataxia with diffuse central nervous system hypomyelination; Leukoencephalopathy with vanishing white matter; CACH/VWM syndrome; Cree leukoencehalopathy; CACH syndrome. Identifiers: Orphanet 135, Orphanet 99853, MedGen C1858991, MONDO:0800448.

Allele frequency attached by ClinVar (database versions not stated): ExAC 0.00001; gnomAD 0.00001; gnomAD exomes 0.00001 and 0.00002; TOPMed 0.00001.
gnomAD v4.1: 17 of 1,613,918 alleles (0.0011%); highest among the groups gnomAD compares: East Asian, 0.0022%; no homozygotes.

Submissions (7):

Natera, Inc.
Classification: Pathogenic for Leukoencephalopathy with vanishing white matter. Last evaluated: 2026-01-23. Review status: criteria provided, single submitter. Criteria: Natera Variant Classification Schema (03/2026). Collection method: clinical testing. Allele origin: germline.
Comment: The c.1208C>T variant in EIF2B5 is a missense variant predicted to cause substitution of alanine to valine at amino acid 403. This variant is rare in the general population with a frequency below the threshold expected for the associated phenotype(s). This variant has been observed in one or more individuals affected with the associated recessive disease, as either homozygous or compound heterozygous with a second variant (PMID: 28939701, 33432707). Computational prediction algorithms indicate this variant is likely to affect gene or protein function. Given the available evidence, this variant is classified as Pathogenic.

GeneDx
Classification: Likely pathogenic. Last evaluated: 2025-01-29. Review status: criteria provided, single submitter. Criteria: GeneDx Variant Classification Process June 2021. Collection method: clinical testing. Allele origin: germline. Affected: yes.
Comment: In silico analysis indicates that this missense variant does not alter protein structure/function; Not observed at significant frequency in large population cohorts (gnomAD); This variant is associated with the following publications: (PMID: 21560189, 22430157, 29285798, 28939701, 33432707)

Fulgent Genetics
Classification: Likely pathogenic for Leukoencephalopathy with vanishing white matter 5. Last evaluated: 2024-02-27. Review status: criteria provided, single submitter. Criteria: ACMG Guidelines, 2015. Collection method: clinical testing. Allele origin: germline.

Labcorp Genetics (formerly Invitae), Labcorp
Classification: Pathogenic. Last evaluated: 2024-02-13. Review status: criteria provided, single submitter. Criteria: Invitae Variant Classification Sherloc (09022015). Collection method: clinical testing. Allele origin: germline.
Comment: This sequence change replaces alanine, which is neutral and non-polar, with valine, which is neutral and non-polar, at codon 403 of the EIF2B5 protein (p.Ala403Val). This variant is present in population databases (rs545593935, gnomAD 0.005%). This missense change has been observed in individual(s) with leukoencephalopathy with vanishing white matter (PMID: 21560189, 22430157, 28939701). In at least one individual the data is consistent with being in trans (on the opposite chromosome) from a pathogenic variant. ClinVar contains an entry for this variant (Variation ID: 872660). Advanced modeling of protein sequence and biophysical properties (such as structural, functional, and spatial information, amino acid conservation, physicochemical variation, residue mobility, and thermodynamic stability) performed at Invitae indicates that this missense variant is expected to disrupt EIF2B5 protein function with a positive predictive value of 80%. For these reasons, this variant has been classified as Pathogenic.

Institute of Human Genetics, University of Leipzig Medical Center
Classification: Likely pathogenic for Leukoencephalopathy with vanishing white matter 5. Last evaluated: 2024-01-29. Review status: criteria provided, single submitter. Criteria: ACMG Guidelines, 2015. Collection method: clinical testing. Allele origin: paternal. Inheritance: Autosomal recessive inheritance. Affected: yes.
Comment: Criteria applied: PM3_STR,PM2_SUP,PP3

Women's Health and Genetics/Laboratory Corporation of America, LabCorp
Classification: Pathogenic for Vanishing white matter disease. Last evaluated: 2022-09-29. Review status: criteria provided, single submitter. Criteria: LabCorp Variant Classification Summary - May 2015. Collection method: clinical testing. Allele origin: germline.
Comment: Variant summary: EIF2B5 c.1208C>T (p.Ala403Val) results in a non-conservative amino acid change in the encoded protein sequence. Three in-silico tools predict a damaging effect of the variant on protein function. The variant allele was found at a frequency of 1.6e-05 in 250868 control chromosomes. c.1208C>T has been reported in the literature as a compound heterozygous in multiple individuals affected with clinically diagnosed Leukoencephalopathy With Vanishing White Matter (Example: van der Lei_2010 and Liu_2011 et.). These data indicate that the variant is very likely to be associated with disease. To our knowledge, no experimental evidence demonstrating an impact on protein function has been reported. Three clinical diagnostic laboratories have submitted clinical-significance assessments for this variant to ClinVar after 2014 and classified the variant as pathogenic/likely pathogenic. Based on the evidence outlined above, the variant was classified as pathogenic.

CeGaT Center for Human Genetics Tuebingen
Classification: Likely pathogenic. Last evaluated: 2019-09-01. Review status: criteria provided, single submitter. Criteria: CeGaT Center For Human Genetics Tuebingen Variant Classification Criteria Version 2. Collection method: clinical testing. Allele origin: germline. Affected: yes. Observed: 1 variant allele.

Literature cited by the submitters: PubMed 28939701 (cited by Natera, Inc. and Labcorp Genetics (formerly Invitae), Labcorp); PubMed 33432707 (cited by Natera, Inc. and Women's Health and Genetics/Laboratory Corporation of America, LabCorp); PubMed 21560189 (cited by Labcorp Genetics (formerly Invitae), Labcorp and Women's Health and Genetics/Laboratory Corporation of America, LabCorp); PubMed 22430157 (cited by Labcorp Genetics (formerly Invitae), Labcorp); PubMed 26901872 (cited by Women's Health and Genetics/Laboratory Corporation of America, LabCorp); PubMed 20975056 (cited by Women's Health and Genetics/Laboratory Corporation of America, LabCorp).